The following is an entry in ClinVar:

NM_014363.6(SACS):c.11401G>T (p.Asp3801Tyr)

Gene: SACS (sacsin molecular chaperone; minus strand). Cytogenetic location: 13q12.12.
Variant type: single nucleotide variant.
Coding change: c.11401G>T on transcript NM_014363.6 (MANE Select); coding-DNA position 11401, G replaced by T.
Protein change: p.Asp3801Tyr; replaces aspartic acid 3801 with tyrosine.
Molecular consequence: missense variant.
Genome position (GRCh38, 1-based): chr13:23,332,475, C>A on the plus strand (G>T on the coding strand, the complement: SACS is on the minus strand). VCF-style: chr13-23332475-C-A. GRCh37 (hg19) VCF-style: chr13-23906614-C-A.
Other names: c.10960G>T, p.Asp3654Tyr (NM_001278055.2); short protein forms D3654Y, D3801Y.
Identifiers: ClinVar variation 3768649 (VCV003768649.1).
Genomic context (GRCh38, chr13:23,332,475, plus strand): 5'-AATCAGATTCATATTCTAGGTTTATGACTACCTCCTCAGGCTTCAGAAGTTTCCAACCAT[C>A]TTCTACCATCACAAAAGCAACCCCTCGCAACTGAAAACGAAATTCCCTTTTTTCTGCACT-3'
Protein context (NP_055178.3, residues 3791-3811): LRGVAFVMVE[Asp3801Tyr]GWKLLKPEEV

ClinVar aggregate classification (germline): Uncertain significance (1 of 4 stars; one submission).

gnomAD v4.1: 4 of 1,614,032 alleles (0.00025%); highest among the groups gnomAD compares: Non-Finnish European, 0.00034%; no homozygotes.

Submission:

Women's Health and Genetics/Laboratory Corporation of America, LabCorp
Classification: Uncertain significance. Last evaluated: 2025-02-10. Review status: criteria provided, single submitter. Criteria: LabCorp Variant Classification Summary - May 2015. Collection method: clinical testing. Allele origin: germline.
Comment: Variant summary: SACS c.11401G>T (p.Asp3801Tyr) results in a non-conservative amino acid change in the encoded protein sequence. Four of four in-silico tools predict a damaging effect of the variant on protein function. The variant allele was found at a frequency of 4e-06 in 250950 control chromosomes. The available data on variant occurrences in the general population are insufficient to allow any conclusion about variant significance. To our knowledge, no occurrence of c.11401G>T in individuals affected with Charlevoix-Saguenay spastic ataxia and no experimental evidence demonstrating its impact on protein function have been reported. No submitters have cited clinical-significance assessments for this variant to ClinVar. Based on the evidence outlined above, the variant was classified as uncertain significance.